The following is an entry in ClinVar:

ClinVar aggregate classification (germline): Conflicting classifications of pathogenicity. Review status: criteria provided, conflicting classifications (1 of 4 stars). 3 submissions from 3 submitters: Uncertain significance (1); Likely benign (2). Last evaluated 2026-01-20.

Conditions:
Rubinstein-Taybi syndrome due to EP300 haploinsufficiency. Also called: RUBINSTEIN-TAYBI SYNDROME 2; EP300-Related Rubinstein-Taybi Syndrome. Identifiers: Orphanet 353284, Orphanet 783, MedGen C3150941, MONDO:0013364, OMIM 613684.
Inborn genetic diseases. Identifiers: MedGen C0950123, MeSH D030342.
EP300-related disorder. Also called: EP300-related disorders; EP300-related condition.

Allele frequency attached by ClinVar (database versions not stated): gnomAD exomes 0.00001 and below 0.00001; ExAC 0.00002.
gnomAD v4.1: 5 of 1,598,754 alleles (0.00031%); highest among the groups gnomAD compares: Middle Eastern, 0.017%; no homozygotes.

Submissions (3):

PreventionGenetics, part of Exact Sciences
Classification: Uncertain significance for EP300-related condition. Last evaluated: 2026-01-20. Review status: criteria provided, single submitter. Criteria: ACMG Guidelines, 2015. Collection method: clinical testing. Allele origin: germline.
Comment: The EP300 c.1874A>G variant is predicted to result in the amino acid substitution p.Asn625Ser. To our knowledge, this variant has not been reported in the literature. This variant is reported in 0.0018% of alleles in individuals of European (Non-Finnish) descent in gnomAD. At this time, the clinical significance of this variant is uncertain due to the absence of conclusive functional and genetic evidence.

Labcorp Genetics (formerly Invitae), Labcorp
Classification: Likely benign for Rubinstein-Taybi syndrome due to EP300 haploinsufficiency. Last evaluated: 2023-05-22. Review status: criteria provided, single submitter. Criteria: Invitae Variant Classification Sherloc (09022015). Collection method: clinical testing. Allele origin: germline.

Ambry Genetics
Classification: Likely benign for Inborn genetic diseases. Last evaluated: 2023-03-02. Review status: criteria provided, single submitter. Criteria: Ambry Variant Classification Scheme 2023. Collection method: clinical testing. Allele origin: germline.

NM_001429.4(EP300):c.1874A>G (p.Asn625Ser)

Gene: EP300 (EP300 lysine acetyltransferase; plus strand). Cytogenetic location: 22q13.2.
Variant type: single nucleotide variant.
Coding change: c.1874A>G on transcript NM_001429.4 (MANE Select); coding-DNA position 1874, A replaced by G.
Protein change: p.Asn625Ser; replaces asparagine 625 with serine.
Molecular consequence: missense variant.
Genome position (GRCh38, 1-based): chr22:41,140,253, A>G. VCF-style: chr22-41140253-A-G. GRCh37 (hg19) VCF-style: chr22-41536257-A-G.
Other names: c.1874A>G (NM_001429.3); c.1874A>G, p.Asn625Ser (NM_001362843.2); short protein forms N625S.
Identifiers: ClinVar variation 1379442 (VCV001379442.9), dbSNP rs775426461, ClinGen allele CA10252643.
Genomic context (GRCh38, chr22:41,140,253, plus strand): 5'-TGGAAAACCTAGTTGCATATGCTCGGAAAGTTGAAGGGGACATGTATGAATCTGCAAACA[A>G]TCGAGTGAGTGTCTGGTTTTTTTCTATTAATAGCCAAGATTGAACCTGTTGTGGTTATTT-3'
Protein context (NP_001420.2, residues 615-635): VEGDMYESAN[Asn625Ser]RAEYYHLLAE